The following is an entry in ClinVar:

ClinVar aggregate classification (germline): Pathogenic (1 of 4 stars; one submission).

Submission:

Labcorp Genetics (formerly Invitae), Labcorp
Classification: Pathogenic. Last evaluated: 2018-12-20. Review status: criteria provided, single submitter. Criteria: Invitae Variant Classification Sherloc (09022015). Collection method: clinical testing. Allele origin: germline.
Comment: For these reasons, this variant has been classified as Pathogenic. Loss-of-function variants in MED17 are known to be pathogenic (PMID: 20950787, 26004231). This variant has not been reported in the literature in individuals with MED17-related conditions. This variant is a gross deletion of the genomic region encompassing exons 1-2 of the MED17 gene, which includes the initiator codon. The 5' end of this event is unknown as it extends beyond the assayed region for this gene and therefore may encompass additional genes. The 3' boundary is likely confined to intron 2 of the MED17 gene. This is expected to result in an absent or disrupted protein product.

Literature cited by the submitters: PubMed 20950787; PubMed 26004231.

NC_000011.10:g.(?_93784504)_(93788177_?)del

Genes: MED17 (mediator complex subunit 17; plus strand), LOC112136095 (Sharpr-MPRA regulatory region 5970; plus strand), LOC130006596 (ATAC-STARR-seq lymphoblastoid silent region 3840; plus strand). Cytogenetic location: 11q21.
Variant type: Deletion.
Identifiers: ClinVar variation 645868 (VCV000645868.6).